The following is an entry in ClinVar:

NM_002430.3(MN1):c.3701C>T (p.Ala1234Val)

Gene: MN1 (MN1 proto-oncogene, transcriptional regulator; minus strand). Cytogenetic location: 22q12.1.
Variant type: single nucleotide variant.
Coding change: c.3701C>T on transcript NM_002430.3 (MANE Select); coding-DNA position 3701, C replaced by T.
Protein change: p.Ala1234Val; replaces alanine 1234 with valine.
Molecular consequence: missense variant.
Genome position (GRCh38, 1-based): chr22:27,796,843, G>A on the plus strand (C>T on the coding strand, the complement: MN1 is on the minus strand). VCF-style: chr22-27796843-G-A. GRCh37 (hg19) VCF-style: chr22-28192831-G-A.
Other names: short protein forms A1234V.
Identifiers: ClinVar variation 4987486 (VCV004987486.1).

ClinVar aggregate classification (germline): Uncertain significance (1 of 4 stars; one submission).

Conditions:
MN1-related disorder. Also called: MN1-related condition.

gnomAD v4.1: 4 of 1,612,626 alleles (0.00025%); highest among the groups gnomAD compares: African/African-American, 0.0013%; no homozygotes.

Submission:

PreventionGenetics, part of Exact Sciences
Classification: Uncertain significance for MN1-related condition. Last evaluated: 2025-01-18. Review status: criteria provided, single submitter. Criteria: ACMG Guidelines, 2015. Collection method: clinical testing. Allele origin: germline.
Comment: The MN1 c.3701C>T variant is predicted to result in the amino acid substitution p.Ala1234Val. To our knowledge, this variant has not been reported in the literature or in a large population database (gnomAD), indicating this variant is rare. At this time, the clinical significance of this variant is uncertain due to the absence of conclusive functional and genetic evidence.